The following is an entry in ClinVar:

NM_020117.11(LARS1):c.1237C>T (p.Arg413Ter)

Gene: LARS1 (leucyl-tRNA synthetase 1; minus strand). Cytogenetic location: 5q32.
Variant type: single nucleotide variant.
Coding change: c.1237C>T on transcript NM_020117.11 (MANE Select); coding-DNA position 1237, C replaced by T.
Protein change: p.Arg413Ter; replaces arginine 413 with a stop codon.
Molecular consequence: nonsense.
Genome position (GRCh38, 1-based): chr5:146,153,221, G>A on the plus strand (C>T on the coding strand, the complement: LARS1 is on the minus strand). VCF-style: chr5-146153221-G-A. GRCh37 (hg19) VCF-style: chr5-145532784-G-A.
Other names: c.1099C>T, p.Arg367Ter (NM_001317964.2); c.1075C>T, p.Arg359Ter (NM_001317965.2); c.1156C>T, p.Arg386Ter (NM_016460.4); short protein forms R367*, R359*, R386*, R413*.
Identifiers: ClinVar variation 2533694 (VCV002533694.3), dbSNP rs773819736, ClinGen allele CA3489683.

ClinVar aggregate classification (germline): Pathogenic. Review status: criteria provided, multiple submitters, no conflicts (2 of 4 stars). 2 submissions from 2 submitters: Pathogenic (2). Last evaluated 2026-05-04.

Conditions:
Acute infantile liver failure due to synthesis defect of mtDNA-encoded proteins. Also called: Liver failure acute infantile; LIVER FAILURE, INFANTILE, TRANSIENT; TRMU Deficiency. Identifiers: Orphanet 217371, MedGen C3278664, MONDO:0013111, OMIM 613070.

Allele frequency attached by ClinVar (database versions not stated): gnomAD 0.00001; TOPMed below 0.00001; ExAC 0.00001.
gnomAD v4.1: 18 of 1,611,988 alleles (0.0011%); highest among the groups gnomAD compares: Non-Finnish European, 0.0014%; no homozygotes.

Submissions (2):

Women's Health and Genetics/Laboratory Corporation of America, LabCorp
Classification: Pathogenic for Acute infantile liver failure due to synthesis defect of mtDNA-encoded proteins. Last evaluated: 2026-05-04. Review status: criteria provided, single submitter. Criteria: LabCorp Variant Classification Summary - May 2015. Collection method: clinical testing. Allele origin: germline.
Comment: Variant summary: LARS1 c.1237C>T (p.Arg413X) results in a premature termination codon, predicted to cause a truncation of the encoded protein or absence of the protein due to nonsense mediated decay, which are commonly known mechanisms for disease. The frequency data for this variant in gnomAD is considered unreliable, as metrics indicate poor data quality at this position. To our knowledge, no occurrence of c.1237C>T in individuals affected with LARS1-related conditions and no experimental evidence demonstrating its impact on protein function have been reported. ClinVar contains an entry for this variant (Variation ID: 2533694). Based on the evidence outlined above, the variant was classified as pathogenic.

Ambry Genetics
Classification: Pathogenic. Last evaluated: 2023-04-17. Review status: criteria provided, single submitter. Criteria: Ambry Variant Classification Scheme 2023. Collection method: clinical testing. Allele origin: germline.
Comment: The c.1237C>T (p.R413*) alteration, located in exon 13 (coding exon 13) of the LARS gene, consists of a C to T substitution at nucleotide position 1237. This changes the amino acid from a arginine (R) to a stop codon at amino acid position 413. This alteration is expected to result in loss of function by premature protein truncation or nonsense-mediated mRNA decay. This variant was not reported in population-based cohorts in the Genome Aggregation Database (gnomAD). Based on the available evidence, this alteration is classified as pathogenic.